The following is an entry in ClinVar:

NM_020921.4(NIN):c.5301+5A>G

Gene: NIN (ninein; minus strand). Cytogenetic location: 14q22.1.
Variant type: single nucleotide variant.
Coding change: c.5301+5A>G on transcript NM_020921.4 (MANE Select); 5 bases into the intron after coding-DNA position 5301, A replaced by G.
Molecular consequence: intron variant.
Genome position (GRCh38, 1-based): chr14:50,743,411, T>C on the plus strand (A>G on the coding strand, the complement: NIN is on the minus strand). VCF-style: chr14-50743411-T-C. GRCh37 (hg19) VCF-style: chr14-51210129-T-C.
Other names: c.3162+5A>G (NM_016350.5); c.5301+5A>G (NM_182946.2, NM_182944.3).
Identifiers: ClinVar variation 3678973 (VCV003678973.2).

ClinVar aggregate classification (germline): Uncertain significance (1 of 4 stars; one submission).

gnomAD v4.1: 2 of 1,563,914 alleles (0.00013%); highest among the groups gnomAD compares: South Asian, 0.0011%; no homozygotes.

Submission:

Labcorp Genetics (formerly Invitae), Labcorp
Classification: Uncertain significance. Last evaluated: 2026-01-08. Review status: criteria provided, single submitter. Criteria: Invitae Variant Classification Sherloc (09022015). Collection method: clinical testing. Allele origin: germline.
Comment: This sequence change falls in intron 24 of the NIN gene. It does not directly change the encoded amino acid sequence of the NIN protein. It affects a nucleotide within the consensus splice site. This variant is present in population databases (rs754839212, gnomAD 0.007%). This variant has not been reported in the literature in individuals affected with NIN-related conditions. ClinVar contains an entry for this variant (Variation ID: 3678973). Variants that disrupt the consensus splice site are a relatively common cause of aberrant splicing (PMID: 17576681, 9536098). Algorithms developed to predict the effect of sequence changes on RNA splicing suggest that this variant is not likely to affect RNA splicing. In summary, the available evidence is currently insufficient to determine the role of this variant in disease. Therefore, it has been classified as a Variant of Uncertain Significance.

Literature cited by the submitters: PubMed 17576681; PubMed 9536098.